The following is an entry in ClinVar:

ClinVar aggregate classification (germline): Uncertain significance. Review status: criteria provided, multiple submitters, no conflicts (2 of 4 stars). 2 submissions from 2 submitters: Uncertain significance (2). Last evaluated 2024-04-24.

Conditions:
FGFR2-related craniosynostosis. Identifiers: MedGen CN231480.
Acrocephalosyndactyly type I (ACS1). Also called: Apert syndrome; Acrocephalo-syndactyly type 1; ACS 1; Syndactylic oxycephaly. Identifiers: Orphanet 87, MedGen C0001193, MONDO:0007041, OMIM 101200.
Beare-Stevenson cutis gyrata syndrome (BSTVS). Identifiers: Orphanet 1555, MedGen C1852406, MONDO:0007412, OMIM 123790.
LADD syndrome 1 (LADD1). Also called: Lacrimoauriculodentodigital syndrome 1. Identifiers: MedGen C5774323, MONDO:0100302, OMIM 149730.
Pfeiffer syndrome (ACS5). Also called: ACS V. Identifiers: Orphanet 710, MedGen C0220658, MONDO:0007043, OMIM 101600.
Gastric cancer. Also called: Stomach cancer; Malignant tumor of stomach. Identifiers: MedGen C0024623, MeSH D013274, MONDO:0001056, OMIM 613659, HP:0012126.
Saethre-Chotzen syndrome (SCS). Also called: ACROCEPHALY, SKULL ASYMMETRY, AND MILD SYNDACTYLY; ACS III; CHOTZEN SYNDROME. Identifiers: Orphanet 794, MedGen C0175699, MONDO:0007042, OMIM 101400.
Familial scaphocephaly syndrome, McGillivray type. Also called: SCAPHOCEPHALY, MAXILLARY RETRUSION, AND IMPAIRED INTELLECTUAL DEVELOPMENT. Identifiers: Orphanet 168624, MedGen C1865070, MONDO:0012307, OMIM 609579.
Crouzon syndrome. Also called: CRANIOFACIAL DYSOSTOSIS, TYPE I; Craniofacial dysostosis; Craniofacial dysostosis type 1; Crouzon craniofacial dysostosis; Crouzon disease. Identifiers: Orphanet 207, MedGen C0010273, MeSH D003394, MONDO:0007405, OMIM 123500, HP:0004439.
Antley-Bixler syndrome without genital anomalies or disordered steroidogenesis (ABS2). Also called: MULTISYNOSTOTIC OSTEODYSGENESIS WITH LONG BONE FRACTURES; Antley-Bixler Syndrome, Autosomal Dominant; Trapezoidocephaly synostosis syndrome; Osteodysgenesis, multisynostotic with fractures. Identifiers: Orphanet 596008, Orphanet 83, MedGen C2936791, MONDO:0020667, OMIM 207410.
Jackson-Weiss syndrome (JWS). Also called: CRANIOSYNOSTOSIS, MIDFACIAL HYPOPLASIA, AND FOOT ABNORMALITIES. Identifiers: Orphanet 1540, MedGen C0795998, MONDO:0007400, OMIM 123150. Disease mechanism: loss of function.
Bent bone dysplasia syndrome 1 (BBDS1). Also called: FGFR2-related bent bone dysplasia. Identifiers: Orphanet 313855, MedGen C3281247, MONDO:0013815, OMIM 614592.

Allele frequency attached by ClinVar (database versions not stated): TOPMed below 0.00001; ExAC 0.00001.

Submissions (2):

Fulgent Genetics
Classification: Uncertain significance for Acrocephalosyndactyly type I; Saethre-Chotzen syndrome; Pfeiffer syndrome; Jackson-Weiss syndrome; Crouzon syndrome; Beare-Stevenson cutis gyrata syndrome; LADD syndrome 1; Antley-Bixler syndrome without genital anomalies or disordered steroidogenesis; Familial scaphocephaly syndrome, McGillivray type; Gastric cancer; Bent bone dysplasia syndrome 1. Last evaluated: 2024-04-24. Review status: criteria provided, single submitter. Criteria: ACMG Guidelines, 2015. Collection method: clinical testing. Allele origin: germline.

Labcorp Genetics (formerly Invitae), Labcorp
Classification: Uncertain significance for FGFR2-related craniosynostosis. Last evaluated: 2021-01-03. Review status: criteria provided, single submitter. Criteria: Invitae Variant Classification Sherloc (09022015). Collection method: clinical testing. Allele origin: germline.
Comment: Algorithms developed to predict the effect of missense changes on protein structure and function (SIFT, PolyPhen-2, Align-GVGD) all suggest that this variant is likely to be tolerated, but these predictions have not been confirmed by published functional studies and their clinical significance is uncertain. Algorithms developed to predict the effect of sequence changes on RNA splicing suggest that this variant may create or strengthen a splice site, but this prediction has not been confirmed by published transcriptional studies. In summary, the available evidence is currently insufficient to determine the role of this variant in disease. Therefore, it has been classified as a Variant of Uncertain Significance. This variant has not been reported in the literature in individuals with FGFR2-related conditions. This variant is present in population databases (rs748526473, ExAC 0.009%). This sequence change replaces histidine with tyrosine at codon 293 of the FGFR2 protein (p.His293Tyr). The histidine residue is moderately conserved and there is a moderate physicochemical difference between histidine and tyrosine.

NM_000141.5(FGFR2):c.877C>T (p.His293Tyr)

Gene: FGFR2 (fibroblast growth factor receptor 2; minus strand). Cytogenetic location: 10q26.13.
Variant type: single nucleotide variant.
Coding change: c.877C>T on transcript NM_000141.5 (MANE Select); coding-DNA position 877, C replaced by T.
Protein change: p.His293Tyr; replaces histidine 293 with tyrosine.
Molecular consequence: missense variant. On other transcripts: non-coding transcript variant (1), intron variant (1).
Genome position (GRCh38, 1-based): chr10:121,520,041, G>A on the plus strand (C>T on the coding strand, the complement: FGFR2 is on the minus strand). VCF-style: chr10-121520041-G-A. GRCh37 (hg19) VCF-style: chr10-123279555-G-A.
Other names: c.877C>T, p.His293Tyr (NM_001144913.1, NM_001144917.2, NM_001320658.2 and 1 more transcripts); c.610C>T, p.His204Tyr (NM_001144915.2, NM_001144919.2, NM_023029.3); c.532C>T, p.His178Tyr (NM_001144916.2, NM_001144918.2); c.193C>T, p.His65Tyr (NM_001320654.2); c.749-4722C>T (NM_001144914.1); short protein forms H204Y, H65Y, H178Y, H293Y.
Identifiers: ClinVar variation 1372714 (VCV001372714.10), dbSNP rs748526473, ClinGen allele CA5720982.